The following is an entry in ClinVar:

ClinVar aggregate classification (germline): Uncertain significance (1 of 4 stars; one submission).

Conditions:
Familial thoracic aortic aneurysm and aortic dissection (TAAD). Also called: Thoracic aortic aneurysms and dissections. Identifiers: Orphanet 91387, MedGen C4707243, MONDO:0019625.

Submission:

Ambry Genetics
Classification: Uncertain significance for Familial thoracic aortic aneurysm and aortic dissection. Last evaluated: 2026-07-09. Review status: criteria provided, single submitter. Criteria: Ambry Variant Classification Scheme 2023. Collection method: clinical testing. Allele origin: germline.
Comment: The p.F183C variant (also known as c.548T>G), located in coding exon 4 of the MED12 gene, results from a T to G substitution at nucleotide position 548. The phenylalanine at codon 183 is replaced by cysteine, an amino acid with highly dissimilar properties. This amino acid position is conserved. In addition, this alteration is predicted to be tolerated by in silico analysis. Based on the available evidence, the clinical significance of this variant remains unclear.

NM_005120.3(MED12):c.548T>G (p.Phe183Cys)

Gene: MED12 (mediator complex subunit 12; plus strand). Cytogenetic location: Xq13.1.
Variant type: single nucleotide variant.
Coding change: c.548T>G on transcript NM_005120.3 (MANE Select); coding-DNA position 548, T replaced by G.
Protein change: p.Phe183Cys; replaces phenylalanine 183 with cysteine.
Molecular consequence: missense variant.
Genome position (GRCh38, 1-based): chrX:71,120,165, T>G. VCF-style: chrX-71120165-T-G. GRCh37 (hg19) VCF-style: chrX-70340015-T-G.
Other names: short protein forms F183C.
Identifiers: ClinVar variation 5024229 (VCV005024229.1).